The following is an entry in ClinVar:

NM_001329943.3(KIAA0586):c.1629G>A (p.Trp543Ter)

Gene: KIAA0586 (KIAA0586; plus strand). Cytogenetic location: 14q23.1.
Variant type: single nucleotide variant.
Coding change: c.1629G>A on transcript NM_001329943.3 (MANE Select); coding-DNA position 1629, G replaced by A.
Protein change: p.Trp543Ter; replaces tryptophan 543 with a stop codon.
Molecular consequence: nonsense.
Genome position (GRCh38, 1-based): chr14:58,458,518, G>A. VCF-style: chr14-58458518-G-A. GRCh37 (hg19) VCF-style: chr14-58925236-G-A.
Other names: c.1788G>A, p.Trp596Ter (NM_001244189.2); c.1584G>A, p.Trp528Ter (NM_001244190.2); c.1374G>A, p.Trp458Ter (NM_001244191.2, NM_001329945.2, NM_001364700.1 and 1 more transcripts); c.1497G>A, p.Trp499Ter (NM_001244192.2); c.1209G>A, p.Trp403Ter (NM_001244193.2); c.1629G>A, p.Trp543Ter (NM_001329944.2, NM_001329946.2, NM_001329947.2 and 1 more transcripts); short protein forms W499*, W543*, W596*, W403*, W528*, W458*.
Identifiers: ClinVar variation 930820 (VCV000930820.3), dbSNP rs2040056901, ClinGen allele CA389869394.

ClinVar aggregate classification (germline): Pathogenic (1 of 4 stars; one submission).

Conditions:
Joubert syndrome 23 (JBTS23). Identifiers: Orphanet 475, MedGen C4084822, MONDO:0014664, OMIM 616490.

Submission:

Centre for Mendelian Genomics, University Medical Centre Ljubljana
Classification: Pathogenic for Joubert syndrome 23. Last evaluated: 2019-11-21. Review status: criteria provided, single submitter. Criteria: ACMG Guidelines, 2015. Collection method: clinical testing. Allele origin: unknown. Affected: yes.
Comment: This variant was classified as: Pathogenic. The following ACMG criteria were applied in classifying this variant: PVS1,PM2,PM3.